The following is an entry in ClinVar:

NM_173651.4(FSIP2):c.16747T>A (p.Tyr5583Asn)

Gene: FSIP2 (fibrous sheath interacting protein 2; plus strand). Cytogenetic location: 2q32.1.
Variant type: single nucleotide variant.
Coding change: c.16747T>A on transcript NM_173651.4 (MANE Select); coding-DNA position 16747, T replaced by A.
Protein change: p.Tyr5583Asn; replaces tyrosine 5583 with asparagine.
Molecular consequence: missense variant.
Genome position (GRCh38, 1-based): chr2:185,806,053, T>A. VCF-style: chr2-185806053-T-A. GRCh37 (hg19) VCF-style: chr2-186670780-T-A.
Other names: short protein forms Y5583N.
Identifiers: ClinVar variation 3061015 (VCV003061015.2), dbSNP rs16827154, ClinGen allele CA2017296.
Genomic context (GRCh38, chr2:185,806,053, plus strand): 5'-GAAATTGAGAAGAAAAGAAATTTAATTCCAACAGATAAAAAAGGGAAAGATGATGAGATA[T>A]ACACACATTTTTCATTAATAATTGATGATACAGAATATGAGAAGGAAGTACTTGGATCAG-3'
Protein context (NP_775922.3, residues 5573-5593): TDKKGKDDEI[Tyr5583Asn]THFSLIIDDT

ClinVar aggregate classification (germline): Benign (0 of 4 stars; one submission).

Conditions:
FSIP2-related disorder. Also called: FSIP2-related condition.

Allele frequency attached by ClinVar (database versions not stated): TOPMed 0.49968; 1000 Genomes Project 30x 0.50047; 1000 Genomes Project 0.50439; ESP Exome Variant Server 0.51257; gnomAD 0.51569; ExAC 0.54080.
gnomAD v4.1: 827,421 of 1,548,492 alleles (53%); highest among the groups gnomAD compares: South Asian, 63%; 223,261 homozygotes.

Submission:

PreventionGenetics, part of Exact Sciences
Classification: Benign for FSIP2-related condition. Last evaluated: 2019-10-17. Review status: no assertion criteria provided. Collection method: clinical testing. Allele origin: germline.
Comment: This variant is classified as benign based on ACMG/AMP sequence variant interpretation guidelines (Richards et al. 2015 PMID: 25741868, with internal and published modifications).